The following is an entry in ClinVar:

ClinVar aggregate classification (germline): Uncertain significance (1 of 4 stars; one submission).

Conditions:
Hereditary cancer-predisposing syndrome. Also called: Hereditary Cancer Syndrome; Hereditary neoplastic syndrome; Tumor predisposition; Neoplastic Syndromes, Hereditary. Identifiers: Orphanet 140162, MedGen C0027672, MeSH D009386, MONDO:0015356.

Submission:

Ambry Genetics
Classification: Uncertain significance for Hereditary cancer-predisposing syndrome. Last evaluated: 2024-08-10. Review status: criteria provided, single submitter. Criteria: Ambry Variant Classification Scheme 2023. Collection method: clinical testing. Allele origin: germline.
Comment: The p.A1043T variant (also known as c.3127G>A), located in coding exon 19 of the ALK gene, results from a G to A substitution at nucleotide position 3127. The alanine at codon 1043 is replaced by threonine, an amino acid with similar properties. This amino acid position is conserved. In addition, the in silico prediction for this alteration is inconclusive. Based on the available evidence, the clinical significance of this variant remains unclear.

NM_004304.5(ALK):c.3127G>A (p.Ala1043Thr)

Gene: ALK (ALK receptor tyrosine kinase; minus strand). Cytogenetic location: 2p23.2.
Variant type: single nucleotide variant.
Coding change: c.3127G>A on transcript NM_004304.5 (MANE Select); coding-DNA position 3127, G replaced by A.
Protein change: p.Ala1043Thr; replaces alanine 1043 with threonine.
Molecular consequence: missense variant.
Genome position (GRCh38, 1-based): chr2:29,225,506, C>T on the plus strand (G>A on the coding strand, the complement: ALK is on the minus strand). VCF-style: chr2-29225506-C-T. GRCh37 (hg19) VCF-style: chr2-29448372-C-T.
Other names: short protein forms A1043T.
Identifiers: ClinVar variation 3522289 (VCV003522289.1).
Genomic context (GRCh38, chr2:29,225,506, plus strand): 5'-GCTCTGTGCACTCACCAATCATGATGCCGGAGAAAGCCAGGACCAGGGCGGCCACGAGGG[C>T]AGAGGTCACCACAGAGAGGATCAGCGAGAGTGGCAGGTGTGGCTCCGGGGTGGGTGACAC-3'
Protein context (NP_004295.2, residues 1033-1053): LSLILSVVTS[Ala1043Thr]LVAALVLAFS